The following is an entry in ClinVar:

ClinVar aggregate classification (germline): Likely benign (1 of 4 stars; one submission).

Allele frequency attached by ClinVar (database versions not stated): TOPMed 0.00001.

Submission:

GeneDx
Classification: Likely benign. Last evaluated: 2022-01-12. Review status: criteria provided, single submitter. Criteria: GeneDx Variant Classification Process June 2021. Collection method: clinical testing. Allele origin: germline. Affected: yes.
Comment: Not observed at significant frequency in large population cohorts (gnomAD); In silico analysis supports that this missense variant does not alter protein structure/function; Has not been previously published as pathogenic or benign to our knowledge

NM_006766.5(KAT6A):c.958C>G (p.Leu320Val)

Gene: KAT6A (lysine acetyltransferase 6A; minus strand). Cytogenetic location: 8p11.21.
Variant type: single nucleotide variant.
Coding change: c.958C>G on transcript NM_006766.5 (MANE Select); coding-DNA position 958, C replaced by G.
Protein change: p.Leu320Val; replaces leucine 320 with valine.
Molecular consequence: missense variant.
Genome position (GRCh38, 1-based): chr8:41,978,727, G>C on the plus strand (C>G on the coding strand, the complement: KAT6A is on the minus strand). VCF-style: chr8-41978727-G-C. GRCh37 (hg19) VCF-style: chr8-41836245-G-C.
Other names: c.958C>G, p.Leu320Val (NM_001305878.2); short protein forms L320V.
Identifiers: ClinVar variation 1254827 (VCV001254827.4), dbSNP rs1175748950, ClinGen allele CA371076756.
Genomic context (GRCh38, chr8:41,978,727, plus strand): 5'-TTTTTGGACGTCCTATTGGATTAGTATAGCGCCGTTTTATCTGTGCTGCCTTCTTTTGTA[G>C]AAGTTTTCGTCCTTTTTTCCTAGGTCGACATATTTGACATATCCACATGCCTATAAAAAA-3'
Protein context (NP_006757.2, residues 310-330): CRPRKKGRKL[Leu320Val]QKKAAQIKRR